The following is an entry in ClinVar:

ClinVar aggregate classification (germline): Uncertain significance (1 of 4 stars; one submission).

Conditions:
Inborn genetic diseases. Identifiers: MedGen C0950123, MeSH D030342.

Submission:

Ambry Genetics
Classification: Uncertain significance for Inborn genetic diseases. Last evaluated: 2025-10-16. Review status: criteria provided, single submitter. Criteria: Ambry Variant Classification Scheme 2023. Collection method: clinical testing. Allele origin: germline.
Comment: The p.K356R variant (also known as c.1067A>G), located in coding exon 10 of the AKT1 gene, results from an A to G substitution at nucleotide position 1067. The lysine at codon 356 is replaced by arginine, an amino acid with highly similar properties. This amino acid position is conserved. In addition, this alteration is predicted to be tolerated by in silico analysis. Based on the available evidence, the clinical significance of this variant remains unclear.

NM_001382430.1(AKT1):c.1067A>G (p.Lys356Arg)

Gene: AKT1 (AKT serine/threonine kinase 1; minus strand). Cytogenetic location: 14q32.33.
Variant type: single nucleotide variant.
Coding change: c.1067A>G on transcript NM_001382430.1 (MANE Select); coding-DNA position 1067, A replaced by G.
Protein change: p.Lys356Arg; replaces lysine 356 with arginine.
Molecular consequence: missense variant.
Genome position (GRCh38, 1-based): chr14:104,772,983, T>C on the plus strand (A>G on the coding strand, the complement: AKT1 is on the minus strand). VCF-style: chr14-104772983-T-C. GRCh37 (hg19) VCF-style: chr14-105239320-T-C.
Other names: c.1067A>G, p.Lys356Arg (NM_001382431.1, NM_001382432.1, NM_001382433.1 and 3 more transcripts); short protein forms K356R.
Identifiers: ClinVar variation 4574003 (VCV004574003.1).